The following is an entry in ClinVar:

NM_080680.3(COL11A2):c.4590C>T (p.Thr1530=)

Gene: COL11A2 (collagen type XI alpha 2 chain; minus strand). Cytogenetic location: 6p21.32.
Variant type: single nucleotide variant.
Coding change: c.4590C>T on transcript NM_080680.3 (MANE Select); coding-DNA position 4590, C replaced by T.
Protein change: p.Thr1530=; no amino-acid change (threonine 1530 retained).
Molecular consequence: synonymous variant.
Genome position (GRCh38, 1-based): chr6:33,165,709, G>A on the plus strand (C>T on the coding strand, the complement: COL11A2 is on the minus strand). VCF-style: chr6-33165709-G-A. GRCh37 (hg19) VCF-style: chr6-33133486-G-A.
Other names: c.4269C>T, p.Thr1423= (NM_080679.3); c.4332C>T, p.Thr1444= (NM_080681.3).
Identifiers: ClinVar variation 504563 (VCV000504563.11), dbSNP rs375329541, ClinGen allele CA3750044.

ClinVar aggregate classification (germline): Benign/Likely benign. Review status: criteria provided, multiple submitters, no conflicts (2 of 4 stars). 4 submissions from 4 submitters: Benign (1); Likely benign (2). 1 of the submissions does not count toward it. Last evaluated 2026-01-13.

Conditions:
COL11A2-related disorder. Also called: COL11A2-related condition; COL11A2-related disorders.

Allele frequency attached by ClinVar (database versions not stated): TOPMed 0.00005; ESP Exome Variant Server 0.00008; ExAC 0.00013; gnomAD 0.00013 and 0.00014; gnomAD exomes 0.00015.
gnomAD v4.1: 131 of 1,610,866 alleles (0.0081%); highest among the groups gnomAD compares: East Asian, 0.029%; no homozygotes.

Submissions (4):

Labcorp Genetics (formerly Invitae), Labcorp
Classification: Benign. Last evaluated: 2026-01-13. Review status: criteria provided, single submitter. Criteria: Invitae Variant Classification Sherloc (09022015). Collection method: clinical testing. Allele origin: germline.

Blueprint Genetics
Classification: Likely benign. Last evaluated: 2024-11-08. Review status: criteria provided, single submitter. Criteria: ACMG Guidelines, 2015. Collection method: clinical testing. Allele origin: germline.

Laboratory for Molecular Medicine, Mass General Brigham Personalized Medicine
Classification: Likely benign. Last evaluated: 2016-06-21. Review status: criteria provided, single submitter. Criteria: LMM Criteria. Collection method: clinical testing. Allele origin: germline. Observed: 1 variant allele.
Comment: p.Thr1530Thr in Exon 63 of COL11A2: This variant is not expected to have clinica l significance because it does not alter an amino acid residue and is not locate d within the splice consensus sequence. This variant has been identified in 7/66 06 Finnish chromosomes and 9/66036 European chromosomes by the Exome Aggregation Consortium (ExAC; dbSNP rs375329541).

PreventionGenetics, part of Exact Sciences
Classification: Likely benign for COL11A2-related condition. Last evaluated: 2024-03-12. Review status: no assertion criteria provided. Collection method: clinical testing. Allele origin: germline. Not counted in ClinVar's aggregate classification.
Comment: This variant is classified as likely benign based on ACMG/AMP sequence variant interpretation guidelines (Richards et al. 2015 PMID: 25741868, with internal and published modifications).